The following is an entry in ClinVar:

ClinVar aggregate classification (germline): Pathogenic. Review status: criteria provided, multiple submitters, no conflicts (2 of 4 stars). 2 submissions from 2 submitters: Pathogenic (2). Last evaluated 2025-05-23.

Conditions:
Osteogenesis imperfecta type I (OI1). Also called: OI, TYPE I; OSTEOGENESIS IMPERFECTA TARDA; OSTEOGENESIS IMPERFECTA WITH BLUE SCLERAE; Lobstein's Disease; Osteogenesis imperfecta type 1; Classic Non-deforming Osteogenesis Imperfecta with Blue Sclerae. Identifiers: Orphanet 216796, Orphanet 666, MedGen C0023931, MONDO:0008146, OMIM 166200. Disease mechanism: loss of function.
Osteogenesis imperfecta with normal sclerae, dominant form (OI4). Also called: OSTEOGENESIS IMPERFECTA WITH NORMAL SCLERAE; Osteogenesis imperfecta type 4; Common Variable Osteogenesis Imperfecta with Normal Sclerae; OSTEOGENESIS IMPERFECTA, TYPE IV, WITH DENTINOGENESIS IMPERFECTA; Osteogenesis Imperfecta Type IV. Identifiers: Orphanet 216820, Orphanet 666, MedGen C0268363, MONDO:0008148, OMIM 166220.

Submissions (2):

Clinical Biomedical Laboratory, Shriners Hospital For Children - Canada
Classification: Pathogenic for Osteogenesis imperfecta with normal sclerae, dominant form. Last evaluated: 2025-05-23. Review status: criteria provided, single submitter. Criteria: ACMG Guidelines, 2015. Collection method: clinical testing. Allele origin: germline. Affected: yes.
Comment: This variant is predicted to substitute a glycine residue by an alanine residue in the alpha 2 chain of collagen type I. Glycine substitutions in the triple helical domain of collagen type I cause disruption in the formation of the triple helix in the collagen molecule and are a typical cause of osteogenesis imperfecta. This variant has not been found in the Genome Aggregation Database (v2.1.1.), indicating it is rare. This specific variant has been reported in the literature (PMID 17078022) as a cause of osteogenesis imperfecta.

Labcorp Genetics (formerly Invitae), Labcorp
Classification: Pathogenic for Osteogenesis imperfecta type I. Last evaluated: 2022-08-30. Review status: criteria provided, single submitter. Criteria: Invitae Variant Classification Sherloc (09022015). Collection method: clinical testing. Allele origin: germline.
Comment: For these reasons, this variant has been classified as Pathogenic. This variant disrupts the triple helix domain of COL1A1. Glycine residues within the Gly-Xaa-Yaa repeats of the triple helix domain are required for the structure and stability of fibrillar collagens (PMID: 7695699, 8218237, 19344236). In COL1A1, variants affecting these glycine residues are significantly enriched in individuals with disease (PMID: 9016532, 17078022) compared to the general population (ExAC). Advanced modeling of protein sequence and biophysical properties (such as structural, functional, and spatial information, amino acid conservation, physicochemical variation, residue mobility, and thermodynamic stability) performed at Invitae indicates that this missense variant is expected to disrupt COL1A1 protein function. This missense change has been observed in individual(s) with clinical feature of osteogenesis imperfecta (PMID: 30614853). This variant is not present in population databases (gnomAD no frequency). This sequence change replaces glycine, which is neutral and non-polar, with alanine, which is neutral and non-polar, at codon 1052 of the COL1A1 protein (p.Gly1052Ala).

Literature cited by the submitters: PubMed 17078022 (cited by Clinical Biomedical Laboratory, Shriners Hospital For Children - Canada and Labcorp Genetics (formerly Invitae), Labcorp); PubMed 7695699 (cited by Labcorp Genetics (formerly Invitae), Labcorp); PubMed 8218237 (cited by Labcorp Genetics (formerly Invitae), Labcorp); PubMed 19344236 (cited by Labcorp Genetics (formerly Invitae), Labcorp); PubMed 9016532 (cited by Labcorp Genetics (formerly Invitae), Labcorp); PubMed 30614853 (cited by Labcorp Genetics (formerly Invitae), Labcorp).

NM_000088.4(COL1A1):c.3155G>C (p.Gly1052Ala)

Gene: COL1A1 (collagen type I alpha 1 chain; minus strand). Cytogenetic location: 17q21.33.
Variant type: single nucleotide variant.
Coding change: c.3155G>C on transcript NM_000088.4 (MANE Select); coding-DNA position 3155, G replaced by C.
Protein change: p.Gly1052Ala; replaces glycine 1052 with alanine.
Molecular consequence: missense variant.
Genome position (GRCh38, 1-based): chr17:50,188,582, C>G on the plus strand (G>C on the coding strand, the complement: COL1A1 is on the minus strand). VCF-style: chr17-50188582-C-G. GRCh37 (hg19) VCF-style: chr17-48265943-C-G.
Other names: short protein forms G1052A.
Identifiers: ClinVar variation 2159543 (VCV002159543.5), dbSNP rs2509177392, ClinGen allele CA400201057.